The following is an entry in ClinVar:

ClinVar aggregate classification (germline): Conflicting classifications of pathogenicity. Review status: criteria provided, conflicting classifications (1 of 4 stars). 4 submissions from 4 submitters: Pathogenic (1); Likely pathogenic (1); Uncertain significance (1). 1 of the submissions does not count toward it. Last evaluated 2025-05-21.

Conditions:
Odonto-onycho-dermal dysplasia. Identifiers: Orphanet 2721, MedGen C0796093, MONDO:0009773, OMIM 257980.
Tooth agenesis, selective, 4 (STHAG4). Also called: LATERAL INCISORS, ABSENCE OF; LATERAL INCISORS, PEGGED OR MISSING; SUCCEDANEOUS TEETH, AGENESIS OF; TOOTH AGENESIS, SELECTIVE, 4, WITH OR WITHOUT ECTODERMAL DYSPLASIA. Identifiers: Orphanet 99798, MedGen C1835492, MONDO:0007881, OMIM 150400. Disease mechanism: loss of function.
WNT10A-related disorder. Also called: WNT10A-related condition; WNT10A-related disorders.

Allele frequency attached by ClinVar (database versions not stated): gnomAD exomes below 0.00001 and 0.00001; TOPMed 0.00001; ExAC 0.00002.
gnomAD v4.1: 6 of 1,611,898 alleles (0.00037%); highest among the groups gnomAD compares: South Asian, 0.0011%; no homozygotes.

Submissions (4):

GeneDx
Classification: Likely pathogenic. Last evaluated: 2025-05-21. Review status: criteria provided, single submitter. Criteria: GeneDx Variant Classification Process June 2021. Collection method: clinical testing. Allele origin: germline. Affected: yes.
Comment: In silico analysis supports that this missense variant has a deleterious effect on protein structure/function; Has not been previously reported as pathogenic or benign in association with WNT10A-related disorders to our knowledge; This variant is associated with the following publications: (PMID: 35982159, 33057194)

Labcorp Genetics (formerly Invitae), Labcorp
Classification: Pathogenic for Tooth agenesis, selective, 4; Odonto-onycho-dermal dysplasia. Last evaluated: 2025-03-22. Review status: criteria provided, single submitter. Criteria: Invitae Variant Classification Sherloc (09022015). Collection method: clinical testing. Allele origin: germline.
Comment: This sequence change replaces glycine, which is neutral and non-polar, with arginine, which is basic and polar, at codon 221 of the WNT10A protein (p.Gly221Arg). This variant is present in population databases (rs775380022, gnomAD 0.01%). This missense change has been observed in individual(s) with clinical features of WNT10A-related conditions (internal data). In at least one individual the data is consistent with being in trans (on the opposite chromosome) from a pathogenic variant. ClinVar contains an entry for this variant (Variation ID: 427045). Invitae Evidence Modeling of protein sequence and biophysical properties (such as structural, functional, and spatial information, amino acid conservation, physicochemical variation, residue mobility, and thermodynamic stability) indicates that this missense variant is expected to disrupt WNT10A protein function with a positive predictive value of 80%. This variant disrupts the p.Gly221 amino acid residue in WNT10A. Other variant(s) that disrupt this residue have been determined to be pathogenic (internal data). This suggests that this residue is clinically significant, and that variants that disrupt this residue are likely to be disease-causing. For these reasons, this variant has been classified as Pathogenic.

Women's Health and Genetics/Laboratory Corporation of America, LabCorp
Classification: Uncertain significance. Last evaluated: 2023-07-13. Review status: criteria provided, single submitter. Criteria: LabCorp Variant Classification Summary - May 2015. Collection method: clinical testing. Allele origin: germline.
Comment: Variant summary: WNT10A c.661G>A (p.Gly221Arg) results in a non-conservative amino acid change in the encoded protein sequence. Five of five in-silico tools predict a damaging effect of the variant on protein function. The variant allele was found at a frequency of 8.1e-06 in 246590 control chromosomes (gnomAD). The available data on variant occurrences in the general population are insufficient to allow any conclusion about variant significance. To our knowledge, no occurrence of c.661G>A in individuals affected with Odonto-onycho-dermal dysplasia and no experimental evidence demonstrating its impact on protein function have been reported. Two submitters have cited clinical-significance assessments for this variant to ClinVar after 2014. All submitters classified the variant as pathogenic/likely pathogenic. Based on the evidence outlined above, the variant was classified as uncertain significance.

PreventionGenetics, part of Exact Sciences
Classification: Uncertain significance for WNT10A-related condition. Last evaluated: 2024-02-29. Review status: no assertion criteria provided. Collection method: clinical testing. Allele origin: germline. Not counted in ClinVar's aggregate classification.
Comment: The WNT10A c.661G>A variant is predicted to result in the amino acid substitution p.Gly221Arg. To our knowledge, this variant has not been reported in the literature. This variant is reported in 0.010% of alleles in individuals of Ashkenazi Jewish descent in gnomAD. At this time, the clinical significance of this variant is uncertain due to the absence of conclusive functional and genetic evidence.

NM_025216.3(WNT10A):c.661G>A (p.Gly221Arg)

Gene: WNT10A (Wnt family member 10A; plus strand). Cytogenetic location: 2q35.
Variant type: single nucleotide variant.
Coding change: c.661G>A on transcript NM_025216.3 (MANE Select); coding-DNA position 661, G replaced by A.
Protein change: p.Gly221Arg; replaces glycine 221 with arginine.
Molecular consequence: missense variant.
Genome position (GRCh38, 1-based): chr2:218,890,268, G>A. VCF-style: chr2-218890268-G-A. GRCh37 (hg19) VCF-style: chr2-219754990-G-A.
Other names: short protein forms G221R.
Identifiers: ClinVar variation 427045 (VCV000427045.13), dbSNP rs775380022, ClinGen allele CA2113990.